The following is an entry in ClinVar:

ClinVar aggregate classification (germline): Conflicting classifications of pathogenicity. Review status: criteria provided, conflicting classifications (1 of 4 stars). 3 submissions from 3 submitters: Likely pathogenic (1); Uncertain significance (1). 1 of the submissions does not count toward it. Last evaluated 2024-08-01.

Conditions:
Propionic acidemia (PROP). Also called: GLYCINEMIA, KETOTIC; HYPERGLYCINEMIA WITH KETOACIDOSIS AND LEUKOPENIA; KETOTIC HYPERGLYCINEMIA. Identifiers: Orphanet 35, MedGen C0268579, MONDO:0011628, OMIM 606054, HP:0003571.

Allele frequency attached by ClinVar (database versions not stated): TOPMed below 0.00001; gnomAD 0.00001; gnomAD exomes 0.00002.

Submissions (3):

Natera, Inc.
Classification: Likely pathogenic for Propionic acidemia. Last evaluated: 2024-08-01. Review status: criteria provided, single submitter. Criteria: Natera Variant Classification Schema (03/2026). Collection method: clinical testing. Allele origin: germline.
Comment: The c.2dupT variant in PCCA is predicted to result in start loss due to disruption of the initiator methionine. This variant is expected to result in nonsense mediated decay, truncation, or a dysfunctional protein product. This variant is rare in the general population with a frequency below the threshold expected for the associated phenotype(s). Given the available evidence, this variant is classified as Likely Pathogenic.

Labcorp Genetics (formerly Invitae), Labcorp
Classification: Uncertain significance for Propionic acidemia. Last evaluated: 2022-05-01. Review status: criteria provided, single submitter. Criteria: Invitae Variant Classification Sherloc (09022015). Collection method: clinical testing. Allele origin: germline.
Comment: This sequence change affects the initiator methionine of the PCCA mRNA. The next in-frame methionine is located at codon 26. This variant is not present in population databases (gnomAD no frequency). This variant has not been reported in the literature in individuals affected with PCCA-related conditions. ClinVar contains an entry for this variant (Variation ID: 551960). In summary, the available evidence is currently insufficient to determine the role of this variant in disease. Therefore, it has been classified as a Variant of Uncertain Significance.

Counsyl
Classification: Likely pathogenic for Propionic acidemia. Last evaluated: 2017-05-12. Review status: no assertion criteria provided. Collection method: clinical testing. Allele origin: unknown. Not counted in ClinVar's aggregate classification.

NM_000282.4(PCCA):c.2dup (p.Met1fs)

Gene: PCCA (propionyl-CoA carboxylase subunit alpha; plus strand). Cytogenetic location: 13q32.3.
Variant type: Duplication.
Coding change: c.2dup on transcript NM_000282.4 (MANE Select); coding-DNA position 2, one base duplicated (T; older notation c.2dupT).
Protein change: p.Met1fs; shifts the reading frame from methionine 1.
Molecular consequence: frameshift variant, initiator codon variant. On other transcripts: 5 prime UTR variant (3), non-coding transcript variant (5).
Genome position (GRCh38, 1-based): chr13:100,089,122, T duplicated. VCF-style (leftmost placement, unchanged base first): chr13-100089121-A-AT. GRCh37 (hg19) VCF-style: chr13-100741375-A-AT.
Other names: c.2dup, p.Met1fs (NM_001127692.3, NM_001178004.2, NM_001352605.2 and 4 more transcripts); c.-865dup (NM_001352610.2, NM_001352611.2, NM_001352612.2); c.2dupT (NM_000282.3); short protein forms M1fs.
Identifiers: ClinVar variation 551960 (VCV000551960.5), dbSNP rs1179536678, ClinGen allele CA484741600.